The following is an entry in ClinVar:

ClinVar aggregate classification (germline): Pathogenic (1 of 4 stars; one submission).

Submission:

GeneDx
Classification: Pathogenic. Last evaluated: 2025-02-21. Review status: criteria provided, single submitter. Criteria: GeneDx Variant Classification Process June 2021. Collection method: clinical testing. Allele origin: germline. Affected: yes.
Comment: Nonsense variant predicted to result in protein truncation or nonsense mediated decay in a gene for which loss of function is a known mechanism of disease; Not observed at significant frequency in large population cohorts (gnomAD); Has not been previously published as pathogenic or benign to our knowledge

NM_001080517.3(SETD5):c.1774C>T (p.Gln592Ter)

Gene: SETD5 (SET domain containing 5; plus strand). Cytogenetic location: 3p25.3.
Variant type: single nucleotide variant.
Coding change: c.1774C>T on transcript NM_001080517.3 (MANE Select); coding-DNA position 1774, C replaced by T.
Protein change: p.Gln592Ter; replaces glutamine 592 with a stop codon.
Molecular consequence: nonsense.
Genome position (GRCh38, 1-based): chr3:9,447,299, C>T. VCF-style: chr3-9447299-C-T. GRCh37 (hg19) VCF-style: chr3-9488983-C-T.
Other names: c.1831C>T, p.Gln611Ter (NM_001437635.1); c.1774C>T, p.Gln592Ter (NM_001437643.1); c.1813C>T, p.Gln605Ter (NM_001437701.1); c.1480C>T, p.Gln494Ter (NM_001292043.2, NM_001349451.2); c.1870C>T, p.Gln624Ter (NM_001437633.1); short protein forms Q494*, Q592*, Q605*, Q611*, Q624*.
Identifiers: ClinVar variation 4076614 (VCV004076614.1).
Genomic context (GRCh38, chr3:9,447,299, plus strand): 5'-TCAAATGTTACCATCCCAAGCACCCCACAGAGTGTTGGTGTGAATACCCGGAGGTCTTCC[C>T]AAGCAGGGGTAAGAGTTGAAAAGACTTCAGCACTTAGACATCCTCACCTTTGCTAATGTC-3'